The following is an entry in ClinVar:

ClinVar aggregate classification (germline): Uncertain significance (1 of 4 stars; one submission).

Submission:

Dasa
Classification: Uncertain significance. Last evaluated: 2026-01-22. Review status: criteria provided, single submitter. Criteria: DASA Assertion Criteria. Collection method: clinical testing. Allele origin: germline.
Comment: NM_004859.4(CLTC):c.3571A>C (p.Asn1191His) is a missense variant that results in the substitution of asparagine with histidine. This variant is rare in population databases. Computational prediction algorithms are consistent with a benign effect. The currently available literature and clinical evidence are not sufficient to establish a definitive association between this variant and the reported condition. Therefore, this variant is classified as a variant of uncertain significance.

NM_004859.4(CLTC):c.3571A>C (p.Asn1191His)

Gene: CLTC (clathrin heavy chain; plus strand). Cytogenetic location: 17q23.1.
Variant type: single nucleotide variant.
Coding change: c.3571A>C on transcript NM_004859.4 (MANE Select); coding-DNA position 3571, A replaced by C.
Protein change: p.Asn1191His; replaces asparagine 1191 with histidine.
Molecular consequence: missense variant.
Genome position (GRCh38, 1-based): chr17:59,682,399, A>C. VCF-style: chr17-59682399-A-C. GRCh37 (hg19) VCF-style: chr17-57759760-A-C.
Other names: c.3583A>C, p.Asn1195His (NM_001288653.2); short protein forms N1191H, N1195H.
Identifiers: ClinVar variation 4883458 (VCV004883458.2).